The following is an entry in ClinVar:

NM_001372.4(DNAH9):c.181G>C (p.Gly61Arg)

Gene: DNAH9 (dynein axonemal heavy chain 9; plus strand). Cytogenetic location: 17p12.
Variant type: single nucleotide variant.
Coding change: c.181G>C on transcript NM_001372.4 (MANE Select); coding-DNA position 181, G replaced by C.
Protein change: p.Gly61Arg; replaces glycine 61 with arginine.
Molecular consequence: missense variant.
Genome position (GRCh38, 1-based): chr17:11,598,679, G>C. VCF-style: chr17-11598679-G-C. GRCh37 (hg19) VCF-style: chr17-11501996-G-C.
Other names: short protein forms G61R.
Identifiers: ClinVar variation 1396635 (VCV001396635.7), dbSNP rs755377341, ClinGen allele CA8394463.

ClinVar aggregate classification (germline): Uncertain significance (1 of 4 stars; one submission).

Allele frequency attached by ClinVar (database versions not stated): TOPMed below 0.00001.
gnomAD v4.1: 4 of 1,365,918 alleles (0.00029%); highest among the groups gnomAD compares: Non-Finnish European, 0.00038%; no homozygotes.

Submission:

Labcorp Genetics (formerly Invitae), Labcorp
Classification: Uncertain significance. Last evaluated: 2023-05-08. Review status: criteria provided, single submitter. Criteria: Invitae Variant Classification Sherloc (09022015). Collection method: clinical testing. Allele origin: germline.
Comment: This sequence change replaces glycine, which is neutral and non-polar, with arginine, which is basic and polar, at codon 61 of the DNAH9 protein (p.Gly61Arg). This variant is not present in population databases (gnomAD no frequency). This variant has not been reported in the literature in individuals affected with DNAH9-related conditions. ClinVar contains an entry for this variant (Variation ID: 1396635). Algorithms developed to predict the effect of missense changes on protein structure and function output the following: SIFT: "Not Available"; PolyPhen-2: "Benign"; Align-GVGD: "Not Available". The arginine amino acid residue is found in multiple mammalian species, which suggests that this missense change does not adversely affect protein function. In summary, the available evidence is currently insufficient to determine the role of this variant in disease. Therefore, it has been classified as a Variant of Uncertain Significance.